The following is an entry in ClinVar:

ClinVar aggregate classification (germline): Uncertain significance. Review status: criteria provided, single submitter (1 of 4 stars). 2 submissions from 2 submitters: Uncertain significance (1). 1 of the submissions does not count toward it. Last evaluated 2025-10-05.

Conditions:
Prostate cancer. Also called: Malignant tumor of prostate. Identifiers: Orphanet 1331, MedGen C0376358, MONDO:0008315, HP:0012125.

Allele frequency attached by ClinVar (database versions not stated): gnomAD 0.00001; gnomAD exomes 0.00004; TOPMed 0.00003.
gnomAD v4.1: 18 of 1,613,948 alleles (0.0011%); highest among the groups gnomAD compares: Admixed American, 0.018%; no homozygotes.

Submissions (2):

Labcorp Genetics (formerly Invitae), Labcorp
Classification: Uncertain significance. Last evaluated: 2025-10-05. Review status: criteria provided, single submitter. Criteria: Invitae Variant Classification Sherloc (09022015). Collection method: clinical testing. Allele origin: germline.
Comment: This sequence change creates a premature translational stop signal (p.Arg940*) in the NLRP1 gene. It is expected to result in an absent or disrupted protein product. However, the current clinical and genetic evidence is not sufficient to establish whether loss-of-function variants in NLRP1 cause disease. This variant is present in population databases (rs193920788, gnomAD 0.02%). This variant has not been reported in the literature in individuals affected with NLRP1-related conditions. ClinVar contains an entry for this variant (Variation ID: 161786). In summary, the available evidence is currently insufficient to determine the role of this variant in disease. Therefore, it has been classified as a Variant of Uncertain Significance.

Science for Life laboratory,  Karolinska Institutet
Classification: Uncertain significance for Malignant tumor of prostate. Review status: no assertion criteria provided. Collection method: not provided. Allele origin: somatic. Not counted in ClinVar's aggregate classification.
Comment: TumorID:SWE-11
ClinVar note: Converted during submission from Unknown to Uncertain significance.

NM_033004.4(NLRP1):c.2818C>T (p.Arg940Ter)

Gene: NLRP1 (NLR family pyrin domain containing 1; minus strand). Cytogenetic location: 17p13.2.
Variant type: single nucleotide variant.
Coding change: c.2818C>T on transcript NM_033004.4 (MANE Select); coding-DNA position 2818, C replaced by T.
Protein change: p.Arg940Ter; replaces arginine 940 with a stop codon.
Molecular consequence: nonsense.
Genome position (GRCh38, 1-based): chr17:5,539,467, G>A on the plus strand (C>T on the coding strand, the complement: NLRP1 is on the minus strand). VCF-style: chr17-5539467-G-A. GRCh37 (hg19) VCF-style: chr17-5442787-G-A.
Other names: c.2818C>T, p.Arg940Ter (NM_001033053.3, NM_014922.5, NM_033006.4 and 1 more transcripts); short protein forms R940*.
Identifiers: ClinVar variation 161786 (VCV000161786.8), dbSNP rs193920788, ClinGen allele CA018471.
Genomic context (GRCh38, chr17:5,539,467, plus strand): 5'-GGCCTTACCCCAGGCGTATGAGTTTGCAGGCAGGATGCCTGAGCCCCTCACAGAGCAGTC[G>A]CACGCCAACGTCATCCAGGTTGTTCTGCTGCAGGTCTAGCTCCTTCAGGCTGGGGCTGGC-3'